The following is an entry in ClinVar:

NM_001267550.2(TTN):c.85219A>G (p.Ile28407Val)

Genes: TTN (titin; minus strand), TTN-AS1 (TTN antisense RNA 1; plus strand). Cytogenetic location: 2q31.2.
Variant type: single nucleotide variant.
Coding change: c.85219A>G on transcript NM_001267550.2 (MANE Select); coding-DNA position 85219, A replaced by G.
Protein change: p.Ile28407Val; replaces isoleucine 28407 with valine.
Molecular consequence: missense variant.
Genome position (GRCh38, 1-based): chr2:178,560,913, T>C on the plus strand (A>G on the coding strand, the complement: TTN is on the minus strand). VCF-style: chr2-178560913-T-C. GRCh37 (hg19) VCF-style: chr2-179425640-T-C.
Other names: c.80296A>G, p.Ile26766Val (NM_001256850.1); c.58024A>G, p.Ile19342Val (NM_003319.4); c.77515A>G, p.Ile25839Val (NM_133378.4); c.58399A>G, p.Ile19467Val (NM_133432.3); c.58600A>G, p.Ile19534Val (NM_133437.4); short protein forms I19342V, I19467V, I19534V, I25839V, I26766V, I28407V.
Identifiers: ClinVar variation 1310602 (VCV001310602.2), dbSNP rs2154159153, ClinGen allele CA349555097.

ClinVar aggregate classification (germline): Uncertain significance (1 of 4 stars; one submission).

Submission:

GeneDx
Classification: Uncertain significance. Last evaluated: 2019-11-20. Review status: criteria provided, single submitter. Criteria: GeneDx Variant Classification Process June 2021. Collection method: clinical testing. Allele origin: germline. Affected: yes.
Comment: Missense variant in a gene in which most reported pathogenic variants are truncating/loss-of-function; Has not been previously published as pathogenic or benign to our knowledge